The following is an entry in ClinVar:

NM_001110556.2(FLNA):c.4825G>A (p.Val1609Met)

Gene: FLNA (filamin A; minus strand). Cytogenetic location: Xq28.
Variant type: single nucleotide variant.
Coding change: c.4825G>A on transcript NM_001110556.2 (MANE Select); coding-DNA position 4825, G replaced by A.
Protein change: p.Val1609Met; replaces valine 1609 with methionine.
Molecular consequence: missense variant.
Genome position (GRCh38, 1-based): chrX:154,357,554, C>T on the plus strand (G>A on the coding strand, the complement: FLNA is on the minus strand). VCF-style: chrX-154357554-C-T. GRCh37 (hg19) VCF-style: chrX-153585922-C-T.
Other names: c.4825G>A, p.Val1609Met (NM_001456.4); c.4825G>A (NM_001110556.1); short protein forms V1609M.
Identifiers: ClinVar variation 582182 (VCV000582182.15), dbSNP rs782314291, ClinGen allele CA10560458.

ClinVar aggregate classification (germline): Uncertain significance. Review status: criteria provided, multiple submitters, no conflicts (2 of 4 stars). 3 submissions from 3 submitters: Uncertain significance (2). 1 of the submissions does not count toward it. Last evaluated 2018-05-10.

Conditions:
FLNA-related disorder.
Heterotopia, periventricular, X-linked dominant (PVNH1). Also called: PERIVENTRICULAR NODULAR HETEROTOPIA 4; HETEROTOPIA, PERIVENTRICULAR, 1; PERIVENTRICULAR NODULAR HETEROTOPIA 1; X-linked periventricular heterotopia. Identifiers: Orphanet 2149, Orphanet 82004, MedGen C1848213, MONDO:0010233, OMIM 300049.
Melnick-Needles syndrome (MNS). Also called: Melnick-Needles Syndrome (FLNA-MNS); MELNICK-NEEDLES OSTEODYSPLASTY; OSTEODYSPLASTY OF MELNICK AND NEEDLES. Identifiers: Orphanet 2484, MedGen C0025237, MONDO:0010650, OMIM 309350.
Frontometaphyseal dysplasia (FMD1). Identifiers: Orphanet 1826, MedGen C0265293, MONDO:0015942.
Oto-palato-digital syndrome, type II (OPD2). Also called: Otopalatodigital Syndrome Type 2 (FLNA-OPD2); Otopalatodigital Syndrome, Type II; FACIOPALATOOSSEOUS SYNDROME; OPD II SYNDROME. Identifiers: Orphanet 669, Orphanet 90652, MedGen C1844696, MONDO:0010571, OMIM 304120.
Familial thoracic aortic aneurysm and aortic dissection (TAAD). Also called: Thoracic aortic aneurysms and dissections. Identifiers: Orphanet 91387, MedGen C4707243, MONDO:0019625.

Allele frequency attached by ClinVar (database versions not stated): gnomAD exomes below 0.00001 and 0.00001; ExAC 0.00001; 1000 Genomes Project 30x 0.00021; 1000 Genomes Project 0.00026.

Submissions (3):

Labcorp Genetics (formerly Invitae), Labcorp
Classification: Uncertain significance for Oto-palato-digital syndrome, type II; Heterotopia, periventricular, X-linked dominant; Frontometaphyseal dysplasia; Melnick-Needles syndrome. Last evaluated: 2018-05-10. Review status: criteria provided, single submitter. Criteria: Invitae Variant Classification Sherloc (09022015). Collection method: clinical testing. Allele origin: germline.
Comment: This sequence change replaces valine with methionine at codon 1609 of the FLNA protein (p.Val1609Met). The valine residue is highly conserved and there is a small physicochemical difference between valine and methionine. The frequency data for this variant in the population databases is considered unreliable, as metrics indicate poor data quality at this position in the ExAC database. This variant has not been reported in the literature in individuals with FLNA-related disease. Algorithms developed to predict the effect of missense changes on protein structure and function do not agree on the potential impact of this missense change (SIFT: "Deleterious"; PolyPhen-2: "Probably Damaging"; Align-GVGD: "Class C15"). In summary, the available evidence is currently insufficient to determine the role of this variant in disease. Therefore, it has been classified as a Variant of Uncertain Significance.

Ambry Genetics
Classification: Uncertain significance for Familial thoracic aortic aneurysm and aortic dissection. Last evaluated: 2017-04-14. Review status: criteria provided, single submitter. Criteria: Ambry Variant Classification Scheme 2023. Collection method: clinical testing. Allele origin: germline.
Comment: The p.V1609M variant (also known as c.4825G>A), located in coding exon 28 of the FLNA gene, results from a G to A substitution at nucleotide position 4825. The valine at codon 1609 is replaced by methionine, an amino acid with highly similar properties. This amino acid position is highly conserved in available vertebrate species. In addition, this alteration is predicted to be deleterious by in silico analysis. Since supporting evidence is limited at this time, the clinical significance of this alteration remains unclear.

PreventionGenetics, part of Exact Sciences
Classification: Uncertain significance for FLNA-related condition. Last evaluated: 2024-08-30. Review status: no assertion criteria provided. Collection method: clinical testing. Allele origin: germline. Not counted in ClinVar's aggregate classification.
Comment: The FLNA c.4825G>A variant is predicted to result in the amino acid substitution p.Val1609Met. To our knowledge, this variant has not been reported in the literature. This variant is reported in 0.0037% of alleles in individuals of Latino descent in gnomAD. At this time, the clinical significance of this variant is uncertain due to the absence of conclusive functional and genetic evidence.